The following is an entry in ClinVar:

ClinVar aggregate classification (germline): Likely benign (0 of 4 stars; one submission).

Conditions:
GLI3-related disorder. Also called: GLI3-related disorders; GLI3-related condition. Identifiers: MedGen CN239292.

Allele frequency attached by ClinVar (database versions not stated): ExAC 0.00005; gnomAD 0.00001; TOPMed 0.00001; gnomAD exomes 0.00002.
gnomAD v4.1: 26 of 1,613,954 alleles (0.0016%); highest among the groups gnomAD compares: South Asian, 0.024%; no homozygotes.

Submission:

PreventionGenetics, part of Exact Sciences
Classification: Likely benign for GLI3-related condition. Last evaluated: 2020-02-20. Review status: no assertion criteria provided. Collection method: clinical testing. Allele origin: germline.
Comment: This variant is classified as likely benign based on ACMG/AMP sequence variant interpretation guidelines (Richards et al. 2015 PMID: 25741868, with internal and published modifications).

NM_000168.6(GLI3):c.4680G>A (p.Gly1560=)

Gene: GLI3 (GLI family zinc finger 3; minus strand). Cytogenetic location: 7p14.1.
Variant type: single nucleotide variant.
Coding change: c.4680G>A on transcript NM_000168.6 (MANE Select); coding-DNA position 4680, G replaced by A.
Protein change: p.Gly1560=; no amino-acid change (glycine 1560 retained).
Molecular consequence: synonymous variant.
Genome position (GRCh38, 1-based): chr7:41,964,393, C>T on the plus strand (G>A on the coding strand, the complement: GLI3 is on the minus strand). VCF-style: chr7-41964393-C-T. GRCh37 (hg19) VCF-style: chr7-42003991-C-T.
Identifiers: ClinVar variation 3051813 (VCV003051813.2), dbSNP rs760205624, ClinGen allele CA4230073.